The following is an entry in ClinVar:

NM_003356.4(UCP3):c.896G>A (p.Arg299Gln)

Gene: UCP3 (uncoupling protein 3; minus strand). Cytogenetic location: 11q13.4.
Variant type: single nucleotide variant.
Coding change: c.896G>A on transcript NM_003356.4 (MANE Select); coding-DNA position 896, G replaced by A.
Protein change: p.Arg299Gln; replaces arginine 299 with glutamine.
Molecular consequence: missense variant.
Genome position (GRCh38, 1-based): chr11:74,001,455, C>T on the plus strand (G>A on the coding strand, the complement: UCP3 is on the minus strand). VCF-style: chr11-74001455-C-T. GRCh37 (hg19) VCF-style: chr11-73712500-C-T.
Other names: c.896G>A (NM_003356.3); short protein forms R299Q.
Identifiers: ClinVar variation 3892809 (VCV003892809.2).

ClinVar aggregate classification (germline): Uncertain significance. Review status: criteria provided, multiple submitters, no conflicts (2 of 4 stars). 2 submissions from 2 submitters: Uncertain significance (2). Last evaluated 2026-09-21.

Conditions:
Inherited obesity. Also called: Monogenic Obesity. Identifiers: Orphanet 77828, MedGen C4054476, MONDO:0019182, OMIM 601665.
UCP3-related disorder. Also called: UCP3-related condition.

Submissions (2):

PreventionGenetics, part of Exact Sciences
Classification: Uncertain significance for UCP3-related condition. Last evaluated: 2026-09-21. Review status: criteria provided, single submitter. Criteria: ACMG Guidelines, 2015. Collection method: clinical testing. Allele origin: germline.
Comment: The UCP3 c.896G>A variant is predicted to result in the amino acid substitution p.Arg299Gln. To our knowledge, this variant has not been reported in the literature. This variant is reported in 0.020% of alleles in individuals of Latino descent in gnomAD. At this time, the clinical significance of this variant is uncertain due to the absence of conclusive functional and genetic evidence.

Department of Pathology and Laboratory Medicine, Sinai Health System
Classification: Uncertain significance for Inherited obesity. Last evaluated: 2022-02-03. Review status: criteria provided, single submitter. Criteria: ACMG Guidelines, 2015. Collection method: research. Allele origin: germline.